The following is an entry in ClinVar:

NM_005247.4(FGF3):c.269del (p.Gly90fs)

Gene: FGF3 (fibroblast growth factor 3; minus strand). Cytogenetic location: 11q13.3.
Variant type: Deletion.
Coding change: c.269del on transcript NM_005247.4 (MANE Select); coding-DNA position 269, one base deleted (G; older notation c.269delG).
Protein change: p.Gly90fs; shifts the reading frame from glycine 90.
Molecular consequence: frameshift variant.
Genome position (GRCh38, 1-based): chr11:69,816,375, C deleted on the plus strand (G on the coding strand, the reverse complement: FGF3 is on the minus strand); the first of 4 consecutive C bases (chr11:69,816,375-69,816,378); deleting any one gives the same sequence. VCF-style (leftmost placement, unchanged base first): chr11-69816374-AC-A. GRCh37 (hg19) VCF-style: chr11-69631142-AC-A.
Other names: short protein forms G90fs.
Identifiers: ClinVar variation 3376260 (VCV003376260.1).
Genomic context (GRCh38, chr11:69,816,374, plus strand): 5'-ACTCACCGAAGCATAGAGTCGTCCCCTCTTGTTCATGGCCAGGTACCGCCCGGAGAAGAG[AC>A]CCCTGATGGCCACAATGCCCACCTCCACTGCCGTTATCTCCAAAATACCTAGAAGAAATG-3'

ClinVar aggregate classification (germline): Likely pathogenic (1 of 4 stars; one submission).

Conditions:
Deafness with labyrinthine aplasia, microtia, and microdontia. Also called: DEAFNESS WITH LAMM; DEAFNESS, CONGENITAL, WITH LABYRINTHINE APLASIA, MICROTIA, AND MICRODONTIA; Congenital Deafness with Inner Ear Agenesis, Microtia, and Microdontia. Identifiers: Orphanet 90024, MedGen C1853144, MONDO:0012541, OMIM 610706.

Submission:

Pittsburgh Clinical Genomics Laboratory, University of Pittsburgh Medical Center
Classification: Likely pathogenic for Deafness with labyrinthine aplasia, microtia, and microdontia. Last evaluated: 2022-04-29. Review status: criteria provided, single submitter. Criteria: ACMG Guidelines, 2015. Collection method: clinical testing. Allele origin: germline. Inheritance: Autosomal recessive inheritance. Affected: yes.
Comment: This sequence variant is a single nucleotide deletion (delC) at coding nucleotide position 269 of the FGF3 gene. This deletion causes a premature termition sigl 10 codons downstream of the frameshift introduced at codon 90. As this variant occurs in exon 2 of 3, it is predicted to generate a non-functiol allele through the expression of a truncated protein or the loss of FGF3 expression due to nonsense mediated decay. This variant is absent from control population datasets (gnomAD database) and online datasets of clinically annotated variants (ClinVar). To our knowledge, this variant has not been observed in publications in individuals with FGF3-related disease. Likewise, studies examining the functiol consequence of this variant have not been published, to our knowledge. Nonetheless, FGF3 loss of function variants are known to be pathogenic (PMID: 22993869). Based on this evidence, we consider this a likely pathogenic variant. ACMG Criteria: PM2, PVS1

Literature cited by the submitters: PubMed 22993869.